The following is an entry in ClinVar:

ClinVar aggregate classification (germline): Uncertain significance (1 of 4 stars; one submission).

Submission:

Ambry Genetics
Classification: Uncertain significance. Last evaluated: 2026-06-08. Review status: criteria provided, single submitter. Criteria: Ambry Variant Classification Scheme 2023. Collection method: clinical testing. Allele origin: germline.
Comment: The p.Q509R variant (also known as c.1526A>G), located in coding exon 11 of the RINT1 gene, results from an A to G substitution at nucleotide position 1526. The glutamine at codon 509 is replaced by arginine, an amino acid with highly similar properties. This amino acid position is conserved. In addition, this alteration is predicted to be deleterious by in silico analysis. Based on the available evidence, the clinical significance of this variant remains unclear.

NM_021930.6(RINT1):c.1526A>G (p.Gln509Arg)

Gene: RINT1 (RAD50 interactor 1; plus strand). Cytogenetic location: 7q22.3.
Variant type: single nucleotide variant.
Coding change: c.1526A>G on transcript NM_021930.6 (MANE Select); coding-DNA position 1526, A replaced by G.
Protein change: p.Gln509Arg; replaces glutamine 509 with arginine.
Molecular consequence: missense variant.
Genome position (GRCh38, 1-based): chr7:105,555,082, A>G. VCF-style: chr7-105555082-A-G. GRCh37 (hg19) VCF-style: chr7-105195529-A-G.
Other names: c.1292A>G, p.Gln431Arg (NM_001346599.2); c.503A>G, p.Gln168Arg (NM_001346600.2, NM_001346603.2); c.602A>G, p.Gln201Arg (NM_001346601.2); short protein forms Q168R, Q201R, Q431R, Q509R.
Identifiers: ClinVar variation 4863351 (VCV004863351.1).